The following is an entry in ClinVar:

ClinVar aggregate classification (germline): Uncertain significance (1 of 4 stars; one submission).

Allele frequency attached by ClinVar (database versions not stated): gnomAD 0.00001; TOPMed 0.00001; ESP Exome Variant Server 0.00008.
gnomAD v4.1: 2 of 1,604,524 alleles (0.00012%); highest among the groups gnomAD compares: African/African-American, 0.0013%; no homozygotes.

Submission:

Labcorp Genetics (formerly Invitae), Labcorp
Classification: Uncertain significance. Last evaluated: 2022-02-04. Review status: criteria provided, single submitter. Criteria: Invitae Variant Classification Sherloc (09022015). Collection method: clinical testing. Allele origin: germline.
Comment: This sequence change replaces proline, which is neutral and non-polar, with alanine, which is neutral and non-polar, at codon 868 of the KIAA1549 protein (p.Pro868Ala). This variant is not present in population databases (gnomAD no frequency). This variant has not been reported in the literature in individuals affected with KIAA1549-related conditions. ClinVar contains an entry for this variant (Variation ID: 1014385). Algorithms developed to predict the effect of missense changes on protein structure and function (SIFT, PolyPhen-2, Align-GVGD) all suggest that this variant is likely to be tolerated. In summary, the available evidence is currently insufficient to determine the role of this variant in disease. Therefore, it has been classified as a Variant of Uncertain Significance.

NM_001164665.2(KIAA1549):c.2602C>G (p.Pro868Ala)

Gene: KIAA1549 (KIAA1549; minus strand). Cytogenetic location: 7q34.
Variant type: single nucleotide variant.
Coding change: c.2602C>G on transcript NM_001164665.2 (MANE Select); coding-DNA position 2602, C replaced by G.
Protein change: p.Pro868Ala; replaces proline 868 with alanine.
Molecular consequence: missense variant.
Genome position (GRCh38, 1-based): chr7:138,917,024, G>C on the plus strand (C>G on the coding strand, the complement: KIAA1549 is on the minus strand). VCF-style: chr7-138917024-G-C. GRCh37 (hg19) VCF-style: chr7-138601770-G-C.
Other names: c.2602C>G, p.Pro868Ala (NM_020910.3); short protein forms P868A.
Identifiers: ClinVar variation 1014385 (VCV001014385.6), dbSNP rs370498848, ClinGen allele CA167163221.